The following is an entry in ClinVar:

ClinVar aggregate classification (germline): Uncertain significance (1 of 4 stars; one submission).

Conditions:
Leber congenital amaurosis 4 (LCA4). Identifiers: MedGen C1858386, MONDO:0011458, OMIM 604393.

Allele frequency attached by ClinVar (database versions not stated): TOPMed below 0.00001; ExAC 0.00001; gnomAD 0.00001; gnomAD exomes 0.00001.
gnomAD v4.1: 4 of 1,614,094 alleles (0.00025%); highest among the groups gnomAD compares: East Asian, 0.0022%; no homozygotes.

Submission:

Labcorp Genetics (formerly Invitae), Labcorp
Classification: Uncertain significance for Leber congenital amaurosis 4. Last evaluated: 2021-09-01. Review status: criteria provided, single submitter. Criteria: Invitae Variant Classification Sherloc (09022015). Collection method: clinical testing. Allele origin: germline.
Comment: This sequence change replaces arginine with histidine at codon 193 of the AIPL1 protein (p.Arg193His). The arginine residue is highly conserved and there is a small physicochemical difference between arginine and histidine. This variant is present in population databases (rs761923853, ExAC 0.01%). This variant has not been reported in the literature in individuals affected with AIPL1-related conditions. Algorithms developed to predict the effect of missense changes on protein structure and function are either unavailable or do not agree on the potential impact of this missense change (SIFT: "Deleterious"; PolyPhen-2: "Probably Damaging"; Align-GVGD: "Class C0"). In summary, the available evidence is currently insufficient to determine the role of this variant in disease. Therefore, it has been classified as a Variant of Uncertain Significance.

NM_014336.5(AIPL1):c.578G>A (p.Arg193His)

Gene: AIPL1 (AIP like 1 HSP90 co-chaperone; minus strand). Cytogenetic location: 17p13.2.
Variant type: single nucleotide variant.
Coding change: c.578G>A on transcript NM_014336.5 (MANE Select); coding-DNA position 578, G replaced by A.
Protein change: p.Arg193His; replaces arginine 193 with histidine.
Molecular consequence: missense variant.
Genome position (GRCh38, 1-based): chr17:6,426,945, C>T on the plus strand (G>A on the coding strand, the complement: AIPL1 is on the minus strand). VCF-style: chr17-6426945-C-T. GRCh37 (hg19) VCF-style: chr17-6330265-C-T.
Other names: c.389G>A, p.Arg130His (NM_001033054.3); c.398G>A, p.Arg133His (NM_001033055.3); c.542G>A, p.Arg181His (NM_001285399.3); c.512G>A, p.Arg171His (NM_001285400.3); c.578G>A, p.Arg193His (NM_001285401.3); c.461G>A, p.Arg154His (NM_001285402.2); c.554G>A, p.Arg185His (NM_001285403.4); short protein forms R130H, R185H, R154H, R171H, R181H, R193H, R133H.
Identifiers: ClinVar variation 860650 (VCV000860650.7), dbSNP rs761923853, ClinGen allele CA8328463.
Genomic context (GRCh38, chr17:6,426,945, plus strand): 5'-GTCTGCAGGTTCCTTAGGCAGATGATGGCCTCCTGGTACTTGGAAGAGGCCTCCTCGTAG[C>T]GGCCCAGCTTGAAGAGCCGATTTCCCTCTCCGTGGAGGACGGGCACCGCCTTCATCTTCT-3'
Protein context (NP_055151.3, residues 183-203): GEGNRLFKLG[Arg193His]YEEASSKYQE